The following is an entry in ClinVar:

ClinVar aggregate classification (germline): Uncertain significance. Review status: criteria provided, multiple submitters, no conflicts (2 of 4 stars). 3 submissions from 3 submitters: Uncertain significance (3). Last evaluated 2025-08-07.

Conditions:
Hereditary cancer-predisposing syndrome. Also called: Hereditary neoplastic syndrome; Neoplastic Syndromes, Hereditary; Tumor predisposition; Hereditary Cancer Syndrome. Identifiers: Orphanet 140162, MedGen C0027672, MeSH D009386, MONDO:0015356.
Retinoblastoma (RB1). Also called: RETINOBLASTOMA, SOMATIC. Identifiers: Orphanet 790, MedGen C0035335, MeSH D012175, MONDO:0008380, OMIM 180200, HP:0009919. Disease mechanism: loss of function. Inheritance: Both sporadic and heritable forms are tested..

Allele frequency attached by ClinVar (database versions not stated): TOPMed below 0.00001; ESP Exome Variant Server 0.00008.

Submissions (3):

Labcorp Genetics (formerly Invitae), Labcorp
Classification: Uncertain significance for Retinoblastoma. Last evaluated: 2025-08-07. Review status: criteria provided, single submitter. Criteria: Invitae Variant Classification Sherloc (09022015). Collection method: clinical testing. Allele origin: germline.
Comment: This sequence change replaces valine, which is neutral and non-polar, with alanine, which is neutral and non-polar, at codon 108 of the RB1 protein (p.Val108Ala). This variant is not present in population databases (gnomAD no frequency). This variant has not been reported in the literature in individuals affected with RB1-related conditions. ClinVar contains an entry for this variant (Variation ID: 1006184). Invitae Evidence Modeling of protein sequence and biophysical properties (such as structural, functional, and spatial information, amino acid conservation, physicochemical variation, residue mobility, and thermodynamic stability) indicates that this missense variant is not expected to disrupt RB1 protein function with a negative predictive value of 80%. In summary, the available evidence is currently insufficient to determine the role of this variant in disease. Therefore, it has been classified as a Variant of Uncertain Significance.

Color Diagnostics, LLC DBA Color Health
Classification: Uncertain significance for Retinoblastoma. Last evaluated: 2025-06-09. Review status: criteria provided, single submitter. Criteria: ACMG Guidelines, 2015. Collection method: clinical testing. Allele origin: germline.
Comment: This missense variant replaces valine with alanine at codon 108 of the RB1 protein. Computational prediction suggests that this variant may not impact protein structure and function. To our knowledge, functional studies have not been reported for this variant. This variant has not been reported in individuals affected with RB1-related disorders in the literature. This variant has not been identified in the general population by the Genome Aggregation Database (gnomAD). The available evidence is insufficient to determine the role of this variant in disease conclusively. Therefore, this variant is classified as a Variant of Uncertain Significance.

Ambry Genetics
Classification: Uncertain significance for Hereditary cancer-predisposing syndrome. Last evaluated: 2024-01-09. Review status: criteria provided, single submitter. Criteria: Ambry Variant Classification Scheme 2023. Collection method: clinical testing. Allele origin: germline.
Comment: The p.V108A variant (also known as c.323T>C), located in coding exon 3 of the RB1 gene, results from a T to C substitution at nucleotide position 323. The valine at codon 108 is replaced by alanine, an amino acid with similar properties. This amino acid position is conserved. In addition, the in silico prediction for this alteration is inconclusive. Since supporting evidence is limited at this time, the clinical significance of this alteration remains unclear.

NM_000321.3(RB1):c.323T>C (p.Val108Ala)

Gene: RB1 (RB transcriptional corepressor 1; plus strand). Cytogenetic location: 13q14.2.
Variant type: single nucleotide variant.
Coding change: c.323T>C on transcript NM_000321.3 (MANE Select); coding-DNA position 323, T replaced by C.
Protein change: p.Val108Ala; replaces valine 108 with alanine.
Molecular consequence: missense variant.
Genome position (GRCh38, 1-based): chr13:48,342,657, T>C. VCF-style: chr13-48342657-T-C. GRCh37 (hg19) VCF-style: chr13-48916793-T-C.
Other names: c.323T>C (NM_000321.2); short protein forms V108A.
Identifiers: ClinVar variation 1006184 (VCV001006184.9), dbSNP rs376408183, ClinGen allele CA249846141.
Genomic context (GRCh38, chr13:48,342,657, plus strand): 5'-AGGGAGGTTATATTCAAAAGAAAAAGGAACTGTGGGGAATCTGTATCTTTATTGCAGCAG[T>C]TGACCTAGATGAGATGTCGTTCACTTTTACTGAGCTACAGAAAAACATAGAAATCAGGTA-3'
Protein context (NP_000312.2, residues 98-118): LWGICIFIAA[Val108Ala]DLDEMSFTFT